The following is an entry in ClinVar:

ClinVar aggregate classification (germline): Uncertain significance (1 of 4 stars; one submission).

gnomAD v4.1: 11 of 1,613,902 alleles (0.00068%); highest among the groups gnomAD compares: South Asian, 0.012%; no homozygotes.

Submission:

Women's Health and Genetics/Laboratory Corporation of America, LabCorp
Classification: Uncertain significance. Last evaluated: 2026-05-13. Review status: criteria provided, single submitter. Criteria: LabCorp Variant Classification Summary - May 2015. Collection method: clinical testing. Allele origin: germline.
Comment: Variant summary: VWF c.3964C>T (p.His1322Tyr) results in a conservative amino acid change in the encoded protein sequence. Algorithms developed to predict the effect of missense changes on protein structure and function are either unavailable or do not agree on the potential impact of this missense change. The variant allele was found at a frequency of 2.8e-05 in 250826 control chromosomes. The available data on variant occurrences in the general population are insufficient to allow any conclusion about variant significance. To our knowledge, no occurrence of c.3964C>T in individuals affected with VWF-related conditions and no experimental evidence demonstrating its impact on protein function have been reported. No submitters have cited clinical-significance assessments for this variant to ClinVar. Based on the evidence outlined above, the variant was classified as uncertain significance.

NM_000552.5(VWF):c.3964C>T (p.His1322Tyr)

Gene: VWF (von Willebrand factor; minus strand). Cytogenetic location: 12p13.31.
Variant type: single nucleotide variant.
Coding change: c.3964C>T on transcript NM_000552.5 (MANE Select); coding-DNA position 3964, C replaced by T.
Protein change: p.His1322Tyr; replaces histidine 1322 with tyrosine.
Molecular consequence: missense variant.
Genome position (GRCh38, 1-based): chr12:6,019,454, G>A on the plus strand (C>T on the coding strand, the complement: VWF is on the minus strand). VCF-style: chr12-6019454-G-A. GRCh37 (hg19) VCF-style: chr12-6128620-G-A.
Other names: short protein forms H1322Y.
Identifiers: ClinVar variation 4853157 (VCV004853157.1).
Genomic context (GRCh38, chr12:6,019,454, plus strand): 5'-GCCGCAGCTCTGACGGTCGCTTCCGGTCCTTGAGCCCGATGTAGGCGTGGGAGCCGTCGT[G>A]GTACTCCACCACGGCCACGCGGACCCACTTCTGGGAGATGCGCAGCCGCTCCATCATGTC-3'
Protein context (NP_000543.3, residues 1312-1332): KWVRVAVVEY[His1322Tyr]DGSHAYIGLK